The following is an entry in ClinVar:

NM_003049.4(SLC10A1):c.302_312del (p.Gly101fs)

Gene: SLC10A1 (solute carrier family 10 member 1; minus strand). Cytogenetic location: 14q24.1.
Variant type: Deletion.
Coding change: c.302_312del on transcript NM_003049.4 (MANE Select); coding-DNA positions 302 to 312, 11 bases deleted (GAGGGAACCTG).
Protein change: p.Gly101fs; shifts the reading frame from glycine 101.
Molecular consequence: frameshift variant.
Genome position (GRCh38, 1-based): chr14:69,796,844-69,796,854, CAGGTTCCCTC deleted on the plus strand (GAGGGAACCTG on the coding strand, the reverse complement: SLC10A1 is on the minus strand); deleting any 11 consecutive bases within chr14:69,796,844-69,796,859 gives the same sequence; the c. name uses the placement nearest the transcript's 3' end. VCF-style (leftmost placement, unchanged base first): chr14-69796843-ACAGGTTCCCTC-A. GRCh37 (hg19) VCF-style: chr14-70263560-ACAGGTTCCCTC-A.
Other names: short protein forms G101fs.
Identifiers: ClinVar variation 4984446 (VCV004984446.1).

ClinVar aggregate classification (germline): Likely pathogenic (1 of 4 stars; one submission).

Conditions:
SLC10A1-related disorder. Also called: SLC10A1-related condition.

Submission:

PreventionGenetics, part of Exact Sciences
Classification: Likely pathogenic for SLC10A1-related condition. Last evaluated: 2026-08-24. Review status: criteria provided, single submitter. Criteria: ACMG Guidelines, 2015. Collection method: clinical testing. Allele origin: germline.
Comment: The SLC10A1 c.302_312del11 variant is predicted to result in a frameshift and premature protein termination (p.Gly101Valfs*43). To our knowledge, this variant has not been reported in the literature or in a large population database (gnomAD), indicating this variant is rare. Frameshift variants in SLC10A1 are expected to be pathogenic. This variant is interpreted as likely pathogenic.